The following is an entry in ClinVar:

ClinVar aggregate classification (germline): Likely pathogenic (1 of 4 stars; one submission).

Conditions:
Mucopolysaccharidosis type 7 (MPS7). Also called: GUSB DEFICIENCY; MPS VII; BETA-GLUCURONIDASE DEFICIENCY; SLY SYNDROME. Identifiers: Orphanet 584, MedGen C0085132, MONDO:0009662, OMIM 253220.

gnomAD v4.1: 1 of 1,614,200 alleles (0.000062%); highest among the groups gnomAD compares: African/African-American, 0.0013%; no homozygotes.

Submission:

Women's Health and Genetics/Laboratory Corporation of America, LabCorp
Classification: Likely pathogenic for Mucopolysaccharidosis type 7. Last evaluated: 2024-10-25. Review status: criteria provided, single submitter. Criteria: LabCorp Variant Classification Summary - May 2015. Collection method: clinical testing. Allele origin: germline.
Comment: Variant summary: GUSB c.1270C>T (p.His424Tyr) results in a conservative amino acid change located in the Glycoside hydrolase family 2, catalytic domain (IPR006103) of the encoded protein sequence. Four of five in-silico tools predict a benign effect of the variant on protein function. The variant was absent in 251464 control chromosomes (gnomAD). c.1270C>T has been reported in the literature in multiple compound heterozygous individuals affected with Mucopolysaccharidosis Type VII (Sly Syndrome), where multiple patients had biochemically confirmed diagnosis for the phenotype (e.g. Kantaputra_2019, Yang_2019, Chandler_2023, Su_2024). These data indicate that the variant is likely to be associated with disease. To our knowledge, no experimental evidence demonstrating an impact on protein function has been reported. The following publications have been ascertained in the context of this evaluation (PMID: 30653816, 31603145, 37964423, 38442846). No submitters have cited clinical-significance assessments for this variant to ClinVar. Based on the evidence outlined above, the variant was classified as likely pathogenic.

Literature cited by the submitters: PubMed 37964423; PubMed 30653816; PubMed 38442846; PubMed 31603145.

NM_000181.4(GUSB):c.1270C>T (p.His424Tyr)

Gene: GUSB (glucuronidase beta; minus strand). Cytogenetic location: 7q11.21.
Variant type: single nucleotide variant.
Coding change: c.1270C>T on transcript NM_000181.4 (MANE Select); coding-DNA position 1270, C replaced by T.
Protein change: p.His424Tyr; replaces histidine 424 with tyrosine.
Molecular consequence: missense variant. On other transcripts: non-coding transcript variant (1).
Genome position (GRCh38, 1-based): chr7:65,974,416, G>A on the plus strand (C>T on the coding strand, the complement: GUSB is on the minus strand). VCF-style: chr7-65974416-G-A. GRCh37 (hg19) VCF-style: chr7-65439403-G-A.
Other names: c.832C>T, p.His278Tyr (NM_001284290.2); c.700C>T, p.His234Tyr (NM_001293104.2); c.613C>T, p.His205Tyr (NM_001293105.2); short protein forms H205Y, H234Y, H278Y, H424Y.
Identifiers: ClinVar variation 3385071 (VCV003385071.1).
Genomic context (GRCh38, chr7:65,974,416, plus strand): 5'-CGACCGCGGGGTGGTTCTTGTCCCTACGCACCACTTCTTCCATCACCTGCATGTGGTGAT[G>A]CAGAGAAACGTTGTTGAAGAACTGCCTGCGGGCCAGGAGGGAAGGGACAGAGGGTCACGG-3'
Protein context (NP_000172.2, residues 414-434): LPQFFNNVSL[His424Tyr]HHMQVMEEVV